The following is an entry in ClinVar:

ClinVar aggregate classification (germline): Likely benign. Review status: criteria provided, multiple submitters, no conflicts (2 of 4 stars). 2 submissions from 2 submitters: Likely benign (2). Last evaluated 2026-07-01.

gnomAD v4.1: 629 of 1,613,276 alleles (0.039%); highest among the groups gnomAD compares: East Asian, 0.89%; 1 homozygote.

Submissions (2):

CeGaT Center for Human Genetics Tuebingen
Classification: Likely benign. Last evaluated: 2026-07-01. Review status: criteria provided, single submitter. Criteria: CeGaT Center For Human Genetics Tuebingen Variant Classification Criteria Version 2. Collection method: clinical testing. Allele origin: germline. Affected: yes. Observed: 1 variant allele.
Comment: ATXN2: BP4, BP7, BS1

Blueprint Genetics
Classification: Likely benign. Last evaluated: 2024-11-21. Review status: criteria provided, single submitter. Criteria: ACMG Guidelines, 2015. Collection method: clinical testing. Allele origin: germline.

NM_001372574.1(ATXN2):c.2211C>T (p.Asp737=)

Gene: ATXN2 (ataxin 2; minus strand). Cytogenetic location: 12q24.12.
Variant type: single nucleotide variant.
Coding change: c.2211C>T on transcript NM_001372574.1 (MANE Select); coding-DNA position 2211, C replaced by T.
Protein change: p.Asp737=; no amino-acid change (aspartic acid 737 retained).
Molecular consequence: synonymous variant. On other transcripts: non-coding transcript variant (1).
Genome position (GRCh38, 1-based): chr12:111,488,505, G>A on the plus strand (C>T on the coding strand, the complement: ATXN2 is on the minus strand). VCF-style: chr12-111488505-G-A. GRCh37 (hg19) VCF-style: chr12-111926309-G-A.
Other names: c.1896C>T, p.Asp632= (NM_001310121.1); c.1824C>T, p.Asp608= (NM_001310123.1); c.2211C>T, p.Asp737= (NM_002973.4).
Identifiers: ClinVar variation 4918575 (VCV004918575.2).
Genomic context (GRCh38, chr12:111,488,505, plus strand): 5'-ACAGGATGGTCTAAGTTCCAGGTTTACTCACTCAGCTGCGTCTTTCTTCTCTTCCTTATC[G>A]TCTTTCTCTTGTTTACATGCTGGGCTGGAAGTCTGAACCCCTTGGGAAGTGACCTCAGGT-3'
Protein context (NP_001359503.1, residues 727-747): TSSPACKQEK[Asp737=]DKEEKKDAAE